The following is an entry in ClinVar:

NM_203447.4(DOCK8):c.941G>T (p.Gly314Val)

Gene: DOCK8 (dedicator of cytokinesis 8; plus strand). Cytogenetic location: 9p24.3.
Variant type: single nucleotide variant.
Coding change: c.941G>T on transcript NM_203447.4 (MANE Select); coding-DNA position 941, G replaced by T.
Protein change: p.Gly314Val; replaces glycine 314 with valine.
Molecular consequence: missense variant.
Genome position (GRCh38, 1-based): chr9:328,068, G>T. VCF-style: chr9-328068-G-T. GRCh37 (hg19) VCF-style: chr9-328068-G-T.
Other names: c.737G>T, p.Gly246Val (NM_001190458.2, NM_001193536.2); short protein forms G314V, G246V.
Identifiers: ClinVar variation 2143385 (VCV002143385.6), dbSNP rs372437204, ClinGen allele CA4957538.

ClinVar aggregate classification (germline): Uncertain significance. Review status: criteria provided, multiple submitters, no conflicts (2 of 4 stars). 2 submissions from 2 submitters: Uncertain significance (2). Last evaluated 2025-11-03.

Conditions:
Inborn genetic diseases. Identifiers: MedGen C0950123, MeSH D030342.
Combined immunodeficiency due to DOCK8 deficiency (HIES2). Also called: HIES autosomal recessive; DOCK8 Deficiency; Hyper-IgE recurrent infection syndrome, autosomal recessive; HYPER-IgE RECURRENT INFECTION SYNDROME 2, AUTOSOMAL RECESSIVE; HYPER-IgE SYNDROME 2, AUTOSOMAL RECESSIVE, WITH RECURRENT INFECTIONS. Identifiers: Orphanet 217390, MedGen C4722305, MONDO:0009478, OMIM 243700.

Allele frequency attached by ClinVar (database versions not stated): gnomAD exomes below 0.00001; TOPMed below 0.00001; ExAC 0.00001; gnomAD 0.00003; 1000 Genomes Project 30x 0.00016; 1000 Genomes Project 0.00020.
gnomAD v4.1: 6 of 1,614,152 alleles (0.00037%); highest among the groups gnomAD compares: East Asian, 0.0089%; no homozygotes.

Submissions (2):

Labcorp Genetics (formerly Invitae), Labcorp
Classification: Uncertain significance for Combined immunodeficiency due to DOCK8 deficiency. Last evaluated: 2025-11-03. Review status: criteria provided, single submitter. Criteria: Invitae Variant Classification Sherloc (09022015). Collection method: clinical testing. Allele origin: germline.
Comment: This sequence change replaces glycine, which is neutral and non-polar, with valine, which is neutral and non-polar, at codon 314 of the DOCK8 protein (p.Gly314Val). This variant is present in population databases (rs372437204, gnomAD 0.006%). This variant has not been reported in the literature in individuals affected with DOCK8-related conditions. ClinVar contains an entry for this variant (Variation ID: 2143385). Invitae Evidence Modeling of protein sequence and biophysical properties (such as structural, functional, and spatial information, amino acid conservation, physicochemical variation, residue mobility, and thermodynamic stability) indicates that this missense variant is not expected to disrupt DOCK8 protein function with a negative predictive value of 80%. In summary, the available evidence is currently insufficient to determine the role of this variant in disease. Therefore, it has been classified as a Variant of Uncertain Significance.

Ambry Genetics
Classification: Uncertain significance for Inborn genetic diseases. Last evaluated: 2023-08-28. Review status: criteria provided, single submitter. Criteria: Ambry Variant Classification Scheme 2023. Collection method: clinical testing. Allele origin: germline.